The following is an entry in ClinVar:

NM_001849.4(COL6A2):c.1969+4A>G

Gene: COL6A2 (collagen type VI alpha 2 chain; plus strand). Cytogenetic location: 21q22.3.
Variant type: single nucleotide variant.
Coding change: c.1969+4A>G on transcript NM_001849.4 (MANE Select); 4 bases into the intron after coding-DNA position 1969, A replaced by G.
Molecular consequence: intron variant.
Genome position (GRCh38, 1-based): chr21:46,125,621, A>G. VCF-style: chr21-46125621-A-G. GRCh37 (hg19) VCF-style: chr21-47545535-A-G.
Other names: c.1969+4A>G (NM_058175.3, NM_058174.3).
Identifiers: ClinVar variation 964416 (VCV000964416.10), dbSNP rs775997945, ClinGen allele CA10072353.
Genomic context (GRCh38, chr21:46,125,621, plus strand): 5'-TCATCAACGTGGTCAACAGGCTGGGTGCCATCGCTAAGGACCCCAAGTCCGAGACAGGTC[A>G]GCGGGGCAGGGGCGGGTGCAGCATTGCGGGGGGCCGGGCGGGGCGTGGGAGGCGATGAGA-3'

ClinVar aggregate classification (germline): Uncertain significance (1 of 4 stars; one submission).

Conditions:
Bethlem myopathy 1A. Also called: Bethlem Muscular Dystrophy; Bethlem myopathy 1; MYOPATHY, BENIGN CONGENITAL, WITH CONTRACTURES. Identifiers: Orphanet 610, MedGen CN029274, MONDO:0024530, OMIM 158810.

gnomAD v4.1: 1 of 1,580,708 alleles (0.000063%); highest among the groups gnomAD compares: Non-Finnish European, 0.000086%; no homozygotes.

Submission:

Labcorp Genetics (formerly Invitae), Labcorp
Classification: Uncertain significance for Bethlem myopathy 1A. Last evaluated: 2019-08-06. Review status: criteria provided, single submitter. Criteria: Invitae Variant Classification Sherloc (09022015). Collection method: clinical testing. Allele origin: germline.
Comment: In summary, the available evidence is currently insufficient to determine the role of this variant in disease. Therefore, it has been classified as a Variant of Uncertain Significance. Nucleotide substitutions within the consensus splice site are a relatively common cause of aberrant splicing (PMID: 17576681, 9536098). Algorithms developed to predict the effect of sequence changes on RNA splicing suggest that this variant is not likely to affect RNA splicing, but this prediction has not been confirmed by published transcriptional studies. This variant has not been reported in the literature in individuals with COL6A2-related conditions. This variant is present in population databases (rs775997945, ExAC 0.002%). This sequence change falls in intron 25 of the COL6A2 gene. It does not directly change the encoded amino acid sequence of the COL6A2 protein, but it affects a nucleotide within the consensus splice site of the intron.

Literature cited by the submitters: PubMed 17576681; PubMed 9536098.